The following is an entry in ClinVar:

NM_000548.5(TSC2):c.-54_-30+1del

Genes: TSC2 (TSC complex subunit 2; plus strand), LOC130058210 (ATAC-STARR-seq lymphoblastoid silent region 7024; plus strand). Cytogenetic location: 16p13.3.
Variant type: Deletion.
Coding change: c.-54_-30+1del on transcript NM_000548.5 (MANE Select); 54 bases upstream of the start codon through the canonical splice donor site of the intron after 30 bases upstream of the start codon, 26 bases deleted (CCGGAGCGCGGTGGCGCGGCGCGGGG).
Molecular consequence: splice donor variant.
Genome position (GRCh38, 1-based): chr16:2,048,041-2,048,066, CCGGAGCGCGGTGGCGCGGCGCGGGG deleted. VCF-style (leftmost placement, unchanged base first): chr16-2048040-CCCGGAGCGCGGTGGCGCGGCGCGGGG-C. GRCh37 (hg19) VCF-style: chr16-2098041-CCCGGAGCGCGGTGGCGCGGCGCGGGG-C.
Other names: c.-34_-10+1del (NM_001406675.1, NM_001406676.1, NM_001318829.2 and 2 more transcripts); c.-113_-89+1del (NM_001406686.1); c.-280_-256+1del (NM_001406684.1, NM_001406685.1, NM_001318831.2 and 2 more transcripts); c.-1791_-1767+1del (NM_001406693.1); c.-54_-30+1del (NM_001406667.1, NM_001406668.1, NM_001114382.3 and 13 more transcripts); c.-870_-846+1del (NM_001406680.1, NM_001406683.1, NM_001406687.1); c.-1485_-1461+1del (NM_001406689.1, NM_001406690.1, NM_001406692.1 and 2 more transcripts); c.-1661_-1637+1del (NM_001406698.1); and 3 more.
Identifiers: ClinVar variation 3686044 (VCV003686044.2).

ClinVar aggregate classification (germline): Uncertain significance (1 of 4 stars; one submission).

Conditions:
Tuberous sclerosis 2 (TSC2). Identifiers: Orphanet 805, MedGen C1860707, MONDO:0013199, OMIM 613254.

Submission:

Labcorp Genetics (formerly Invitae), Labcorp
Classification: Uncertain significance for Tuberous sclerosis 2. Last evaluated: 2025-04-21. Review status: criteria provided, single submitter. Criteria: Invitae Variant Classification Sherloc (09022015). Collection method: clinical testing. Allele origin: germline.
Comment: This variant occurs in a non-coding region of the TSC2 gene. It does not change the encoded amino acid sequence of the TSC2 protein. This variant is not present in population databases (gnomAD no frequency). This variant has not been reported in the literature in individuals affected with TSC2-related conditions. ClinVar contains an entry for this variant (Variation ID: 3686044). In summary, the available evidence is currently insufficient to determine the role of this variant in disease. Therefore, it has been classified as a Variant of Uncertain Significance.